The following is an entry in ClinVar:

ClinVar aggregate classification (germline): Pathogenic (1 of 4 stars; one submission).

Conditions:
Spastic paraplegia. Identifiers: MedGen C0037772, HP:0001258.

Submission:

Labcorp Genetics (formerly Invitae), Labcorp
Classification: Pathogenic for Spastic paraplegia. Last evaluated: 2018-12-28. Review status: criteria provided, single submitter. Criteria: Invitae Variant Classification Sherloc (09022015). Collection method: clinical testing. Allele origin: germline.
Comment: This sequence change creates a premature translational stop signal (p.Cys16Valfs*11) in the ERLIN2 gene. It is expected to result in an absent or disrupted protein product. This variant is not present in population databases (ExAC no frequency). This variant has not been reported in the literature in individuals with ERLIN2-related conditions. Loss-of-function variants in ERLIN2 are known to be pathogenic (PMID: 21330303, 23109145, 24482476, 27824013). For these reasons, this variant has been classified as Pathogenic.

NM_007175.8(ERLIN2):c.46del (p.Cys16fs)

Gene: ERLIN2 (ER lipid raft associated 2; plus strand). Cytogenetic location: 8p11.23.
Variant type: Deletion.
Coding change: c.46del on transcript NM_007175.8 (MANE Select); coding-DNA position 46, one base deleted (T; older notation c.46delT).
Protein change: p.Cys16fs; shifts the reading frame from cysteine 16.
Molecular consequence: frameshift variant.
Genome position (GRCh38, 1-based): chr8:37,737,968, T deleted; the last of 4 consecutive T bases (chr8:37,737,965-37,737,968); deleting any one gives the same sequence. VCF-style (leftmost placement, unchanged base first): chr8-37737964-CT-C. GRCh37 (hg19) VCF-style: chr8-37595482-CT-C.
Other names: c.46del, p.Cys16fs (NM_001003790.4, NM_001003791.3, NM_001362878.2 and 1 more transcripts); short protein forms C16fs.
Identifiers: ClinVar variation 639125 (VCV000639125.1), dbSNP rs1585896928, ClinGen allele CA915945650.